The following is an entry in ClinVar:

ClinVar aggregate classification (germline): Uncertain significance (1 of 4 stars; one submission).

gnomAD v4.1: 37 of 1,614,002 alleles (0.0023%); highest among the groups gnomAD compares: Non-Finnish European, 0.0031%; no homozygotes.

Submission:

Labcorp Genetics (formerly Invitae), Labcorp
Classification: Uncertain significance. Last evaluated: 2025-04-23. Review status: criteria provided, single submitter. Criteria: Invitae Variant Classification Sherloc (09022015). Collection method: clinical testing. Allele origin: germline.
Comment: This sequence change replaces alanine, which is neutral and non-polar, with serine, which is neutral and polar, at codon 1940 of the FLNB protein (p.Ala1940Ser). This variant is present in population databases (rs374726492, gnomAD 0.004%). This variant has not been reported in the literature in individuals affected with FLNB-related conditions. Invitae Evidence Modeling of protein sequence and biophysical properties (such as structural, functional, and spatial information, amino acid conservation, physicochemical variation, residue mobility, and thermodynamic stability) indicates that this missense variant is not expected to disrupt FLNB protein function with a negative predictive value of 95%. In summary, the available evidence is currently insufficient to determine the role of this variant in disease. Therefore, it has been classified as a Variant of Uncertain Significance.

NM_001457.4(FLNB):c.5818G>T (p.Ala1940Ser)

Gene: FLNB (filamin B; plus strand). Cytogenetic location: 3p14.3.
Variant type: single nucleotide variant.
Coding change: c.5818G>T on transcript NM_001457.4 (MANE Select); coding-DNA position 5818, G replaced by T.
Protein change: p.Ala1940Ser; replaces alanine 1940 with serine.
Molecular consequence: missense variant.
Genome position (GRCh38, 1-based): chr3:58,148,295, G>T. VCF-style: chr3-58148295-G-T. GRCh37 (hg19) VCF-style: chr3-58134022-G-T.
Other names: c.5911G>T, p.Ala1971Ser (NM_001164317.2); c.5785G>T, p.Ala1929Ser (NM_001164318.2); c.5746G>T, p.Ala1916Ser (NM_001164319.2); short protein forms A1916S, A1929S, A1940S, A1971S.
Identifiers: ClinVar variation 4810311 (VCV004810311.1).